The following is an entry in ClinVar:

NM_152296.5(ATP1A3):c.1105G>A (p.Gly369Arg)

Gene: ATP1A3 (ATPase Na+/K+ transporting subunit alpha 3; minus strand). Cytogenetic location: 19q13.2.
Variant type: single nucleotide variant.
Coding change: c.1105G>A on transcript NM_152296.5 (MANE Select); coding-DNA position 1105, G replaced by A.
Protein change: p.Gly369Arg; replaces glycine 369 with arginine.
Molecular consequence: missense variant.
Genome position (GRCh38, 1-based): chr19:41,981,995, C>T on the plus strand (G>A on the coding strand, the complement: ATP1A3 is on the minus strand). VCF-style: chr19-41981995-C-T. GRCh37 (hg19) VCF-style: chr19-42486147-C-T.
Other names: c.1138G>A, p.Gly380Arg (NM_001256213.2); c.1144G>A, p.Gly382Arg (NM_001256214.2); short protein forms G369R, G380R, G382R.
Identifiers: ClinVar variation 3364019 (VCV003364019.1).

ClinVar aggregate classification (germline): Uncertain significance (1 of 4 stars; one submission).

Submission:

GeneDx
Classification: Uncertain significance. Last evaluated: 2023-11-20. Review status: criteria provided, single submitter. Criteria: GeneDx Variant Classification Process June 2021. Collection method: clinical testing. Allele origin: germline. Affected: yes.
Comment: Not observed at significant frequency in large population cohorts (gnomAD); In silico analysis supports that this missense variant has a deleterious effect on protein structure/function; Has not been previously published as pathogenic or benign to our knowledge